The following is an entry in ClinVar:

ClinVar aggregate classification (germline): Uncertain significance (1 of 4 stars; one submission).

Submission:

Labcorp Genetics (formerly Invitae), Labcorp
Classification: Uncertain significance. Last evaluated: 2025-03-16. Review status: criteria provided, single submitter. Criteria: Invitae Variant Classification Sherloc (09022015). Collection method: clinical testing. Allele origin: germline.
Comment: This sequence change replaces threonine, which is neutral and polar, with serine, which is neutral and polar, at codon 641 of the KMT2E protein (p.Thr641Ser). This variant is not present in population databases (gnomAD no frequency). This variant has not been reported in the literature in individuals affected with KMT2E-related conditions. Invitae Evidence Modeling of protein sequence and biophysical properties (such as structural, functional, and spatial information, amino acid conservation, physicochemical variation, residue mobility, and thermodynamic stability) indicates that this missense variant is not expected to disrupt KMT2E protein function with a negative predictive value of 80%. In summary, the available evidence is currently insufficient to determine the role of this variant in disease. Therefore, it has been classified as a Variant of Uncertain Significance.

NM_182931.3(KMT2E):c.1921A>T (p.Thr641Ser)

Gene: KMT2E (lysine methyltransferase 2E (inactive); plus strand). Cytogenetic location: 7q22.3.
Variant type: single nucleotide variant.
Coding change: c.1921A>T on transcript NM_182931.3 (MANE Select); coding-DNA position 1921, A replaced by T.
Protein change: p.Thr641Ser; replaces threonine 641 with serine.
Molecular consequence: missense variant.
Genome position (GRCh38, 1-based): chr7:105,101,919, A>T. VCF-style: chr7-105101919-A-T. GRCh37 (hg19) VCF-style: chr7-104742366-A-T.
Other names: c.1921A>T, p.Thr641Ser (NM_001410908.1, NM_018682.4); short protein forms T641S.
Identifiers: ClinVar variation 4807006 (VCV004807006.1).